The following is an entry in ClinVar:

ClinVar aggregate classification (germline): Uncertain significance. Review status: criteria provided, multiple submitters, no conflicts (2 of 4 stars). 2 submissions from 2 submitters: Uncertain significance (2). Last evaluated 2022-02-10.

Conditions:
Inborn genetic diseases. Identifiers: MedGen C0950123, MeSH D030342.

Allele frequency attached by ClinVar (database versions not stated): gnomAD 0.00002; TOPMed 0.00002.
gnomAD v4.1: 99 of 1,614,052 alleles (0.0061%); highest among the groups gnomAD compares: Non-Finnish European, 0.008%; no homozygotes.

Submissions (2):

Ambry Genetics
Classification: Uncertain significance for Inborn genetic diseases. Last evaluated: 2022-02-10. Review status: criteria provided, single submitter. Criteria: Ambry Variant Classification Scheme 2023. Collection method: clinical testing. Allele origin: germline.

Labcorp Genetics (formerly Invitae), Labcorp
Classification: Uncertain significance. Last evaluated: 2022-02-10. Review status: criteria provided, single submitter. Criteria: Invitae Variant Classification Sherloc (09022015). Collection method: clinical testing. Allele origin: germline.
Comment: This sequence change replaces phenylalanine, which is neutral and non-polar, with isoleucine, which is neutral and non-polar, at codon 406 of the VDR protein (p.Phe406Ile). This variant is present in population databases (no rsID available, gnomAD 0.004%). This variant has not been reported in the literature in individuals affected with VDR-related conditions. Algorithms developed to predict the effect of missense changes on protein structure and function are either unavailable or do not agree on the potential impact of this missense change (SIFT: "Deleterious"; PolyPhen-2: "Benign"; Align-GVGD: "Class C0"). In summary, the available evidence is currently insufficient to determine the role of this variant in disease. Therefore, it has been classified as a Variant of Uncertain Significance.

NM_000376.3(VDR):c.1216T>A (p.Phe406Ile)

Gene: VDR (vitamin D receptor; minus strand). Cytogenetic location: 12q13.11.
Variant type: single nucleotide variant.
Coding change: c.1216T>A on transcript NM_000376.3 (MANE Select); coding-DNA position 1216, T replaced by A.
Protein change: p.Phe406Ile; replaces phenylalanine 406 with isoleucine.
Molecular consequence: missense variant.
Genome position (GRCh38, 1-based): chr12:47,844,814, A>T on the plus strand (T>A on the coding strand, the complement: VDR is on the minus strand). VCF-style: chr12-47844814-A-T. GRCh37 (hg19) VCF-style: chr12-48238597-A-T.
Other names: c.1216T>A, p.Phe406Ile (NM_001017535.2, NM_001364085.2, NM_001374661.1 and 1 more transcripts); c.1366T>A, p.Phe456Ile (NM_001017536.2); short protein forms F406I, F456I.
Identifiers: ClinVar variation 1917095 (VCV001917095.3), dbSNP rs1245498873, ClinGen allele CA384513880.